The following is an entry in ClinVar:

NM_024675.4(PALB2):c.701A>G (p.Asp234Gly)

Gene: PALB2 (partner and localizer of BRCA2; minus strand). Cytogenetic location: 16p12.2.
Variant type: single nucleotide variant.
Coding change: c.701A>G on transcript NM_024675.4 (MANE Select); coding-DNA position 701, A replaced by G.
Protein change: p.Asp234Gly; replaces aspartic acid 234 with glycine.
Molecular consequence: missense variant. On other transcripts: 5 prime UTR variant (8), intron variant (3).
Genome position (GRCh38, 1-based): chr16:23,635,845, T>C on the plus strand (A>G on the coding strand, the complement: PALB2 is on the minus strand). VCF-style: chr16-23635845-T-C. GRCh37 (hg19) VCF-style: chr16-23647166-T-C.
Other names: c.641A>G, p.Asp214Gly (NM_001407296.1); c.701A>G, p.Asp234Gly (NM_001407297.1, NM_001407298.1, NM_001407299.1 and 3 more transcripts); c.-185A>G (NM_001407304.1, NM_001407305.1, NM_001407306.1 and 5 more transcripts); c.48+5265A>G (NM_001407314.1); c.-105+5265A>G (NM_001407313.1, NM_001407312.1); short protein forms D214G, D234G.
Identifiers: ClinVar variation 4861510 (VCV004861510.1).

ClinVar aggregate classification (germline): Uncertain significance (1 of 4 stars; one submission).

Conditions:
Hereditary cancer-predisposing syndrome. Also called: Neoplastic Syndromes, Hereditary; Tumor predisposition; Hereditary Cancer Syndrome; Hereditary neoplastic syndrome. Identifiers: Orphanet 140162, MedGen C0027672, MeSH D009386, MONDO:0015356.

Submission:

Ambry Genetics
Classification: Uncertain significance for Hereditary cancer-predisposing syndrome. Last evaluated: 2026-06-02. Review status: criteria provided, single submitter. Criteria: Ambry Variant Classification Scheme 2023. Collection method: clinical testing. Allele origin: germline.
Comment: The p.D234G variant (also known as c.701A>G), located in coding exon 4 of the PALB2 gene, results from an A to G substitution at nucleotide position 701. The aspartic acid at codon 234 is replaced by glycine, an amino acid with similar properties. This amino acid position is conserved. In addition, this alteration is predicted to be tolerated by in silico analysis. Based on the available evidence, the clinical significance of this variant remains unclear.